The following is an entry in ClinVar:

NM_177438.3(DICER1):c.1492T>G (p.Phe498Val)

Gene: DICER1 (dicer 1, ribonuclease III; minus strand). Cytogenetic location: 14q32.13.
Variant type: single nucleotide variant.
Coding change: c.1492T>G on transcript NM_177438.3 (MANE Select); coding-DNA position 1492, T replaced by G.
Protein change: p.Phe498Val; replaces phenylalanine 498 with valine.
Molecular consequence: missense variant. On other transcripts: non-coding transcript variant (6), 5 prime UTR variant (1).
Genome position (GRCh38, 1-based): chr14:95,117,639, A>C on the plus strand (T>G on the coding strand, the complement: DICER1 is on the minus strand). VCF-style: chr14-95117639-A-C. GRCh37 (hg19) VCF-style: chr14-95583976-A-C.
Other names: c.1492T>G, p.Phe498Val (NM_001195573.1, NM_001271282.3, NM_001291628.2 and 12 more transcripts); c.1210T>G, p.Phe404Val (NM_001395686.1); c.1087T>G, p.Phe363Val (NM_001395687.1, NM_001395688.1, NM_001395689.1 and 3 more transcripts); c.925T>G, p.Phe309Val (NM_001395691.1); c.-77T>G (NM_001395697.1); short protein forms F498V, F363V, F309V, F404V.
Identifiers: ClinVar variation 5035256 (VCV005035256.1).

ClinVar aggregate classification (germline): Uncertain significance (1 of 4 stars; one submission).

Conditions:
Hereditary cancer-predisposing syndrome. Also called: Hereditary Cancer Syndrome; Neoplastic Syndromes, Hereditary; Tumor predisposition; Hereditary neoplastic syndrome. Identifiers: Orphanet 140162, MedGen C0027672, MeSH D009386, MONDO:0015356.

Submission:

Ambry Genetics
Classification: Uncertain significance for Hereditary cancer-predisposing syndrome. Last evaluated: 2026-07-06. Review status: criteria provided, single submitter. Criteria: Ambry Variant Classification Scheme 2023. Collection method: clinical testing. Allele origin: germline.
Comment: The p.F498V variant (also known as c.1492T>G), located in coding exon 8 of the DICER1 gene, results from a T to G substitution at nucleotide position 1492. The phenylalanine at codon 498 is replaced by valine, an amino acid with highly similar properties. This amino acid position is conserved. In addition, the in silico prediction for this alteration is inconclusive. Based on the available evidence, the clinical significance of this variant remains unclear.